The following is an entry in ClinVar:

NM_000256.3(MYBPC3):c.2606C>T (p.Pro869Leu)

Gene: MYBPC3 (myosin binding protein C3; minus strand). Cytogenetic location: 11p11.2.
Variant type: single nucleotide variant.
Coding change: c.2606C>T on transcript NM_000256.3 (MANE Select); coding-DNA position 2606, C replaced by T.
Protein change: p.Pro869Leu; replaces proline 869 with leucine.
Molecular consequence: missense variant.
Genome position (GRCh38, 1-based): chr11:47,336,008, G>A on the plus strand (C>T on the coding strand, the complement: MYBPC3 is on the minus strand). VCF-style: chr11-47336008-G-A. GRCh37 (hg19) VCF-style: chr11-47357559-G-A.
Other names: short protein forms P869L.
Identifiers: ClinVar variation 3387106 (VCV003387106.1).

ClinVar aggregate classification (germline): Uncertain significance (1 of 4 stars; one submission).

Conditions:
Hypertrophic cardiomyopathy. Also called: HYPERTROPHIC MYOCARDIOPATHY. Identifiers: Orphanet 217569, MedGen C0007194, MeSH D002312, MONDO:0005045, HP:0001639.

Submission:

All of Us Research Program, National Institutes of Health
Classification: Uncertain significance for Hypertrophic cardiomyopathy. Last evaluated: 2024-02-22. Review status: criteria provided, single submitter. Criteria: ACMG Guidelines, 2015. Collection method: clinical testing. Allele origin: germline. Inheritance: Autosomal dominant inheritance. Observed: 1 variant allele, 1 heterozygote.
Comment: This missense variant replaces proline with leucine at codon 869 of the MYBPC3 protein. Computational prediction suggests that this variant may not impact protein structure and function (internally defined REVEL score threshold <= 0.5, PMID: 27666373). To our knowledge, functional studies have not been reported for this variant. This variant has not been reported in individuals affected with MYBPC3-related disorders in the literature. This variant has not been identified in the general population by the Genome Aggregation Database (gnomAD). The available evidence is insufficient to determine the role of this variant in disease conclusively. Therefore, this variant is classified as a Variant of Uncertain Significance.

This study involves interpretation of variants in research participants for the purpose of population health screening. Participant phenotype was not available at the time of variant classification. Additional details can be found in publication PMID: 35346344, PMCID: PMC8962531